The following is an entry in ClinVar:

ClinVar aggregate classification (germline): Uncertain significance (1 of 4 stars; one submission).

Conditions:
Myopathy, proximal, and ophthalmoplegia (CMYO6). Also called: INCLUSION BODY MYOPATHY 3, AUTOSOMAL DOMINANT; CONGENITAL MYOPATHY 6 WITH OPHTHALMOPLEGIA; MYOPATHY WITH CONGENITAL JOINT CONTRACTURES, OPHTHALMOPLEGIA, AND RIMMED VACUOLES. Identifiers: Orphanet 363677, Orphanet 79091, MedGen C1854106, MONDO:0011577, OMIM 605637.

Allele frequency attached by ClinVar (database versions not stated): gnomAD exomes below 0.00001.
gnomAD v4.1: 2 of 1,614,222 alleles (0.00012%); highest among the groups gnomAD compares: Admixed American, 0.0033%; no homozygotes.

Submission:

Labcorp Genetics (formerly Invitae), Labcorp
Classification: Uncertain significance for Myopathy, proximal, and ophthalmoplegia. Last evaluated: 2022-04-08. Review status: criteria provided, single submitter. Criteria: Invitae Variant Classification Sherloc (09022015). Collection method: clinical testing. Allele origin: germline.
Comment: In summary, the available evidence is currently insufficient to determine the role of this variant in disease. Therefore, it has been classified as a Variant of Uncertain Significance. Algorithms developed to predict the effect of missense changes on protein structure and function are either unavailable or do not agree on the potential impact of this missense change (SIFT: "Deleterious"; PolyPhen-2: "Benign"; Align-GVGD: "Class C0"). This variant has not been reported in the literature in individuals affected with MYH2-related conditions. This variant is not present in population databases (gnomAD no frequency). This sequence change replaces alanine, which is neutral and non-polar, with proline, which is neutral and non-polar, at codon 433 of the MYH2 protein (p.Ala433Pro).

NM_017534.6(MYH2):c.1297G>C (p.Ala433Pro)

Genes: MYHAS (myosin heavy chain gene cluster antisense RNA; plus strand), MYH2 (myosin heavy chain 2; minus strand). Cytogenetic location: 17p13.1.
Variant type: single nucleotide variant.
Coding change: c.1297G>C on transcript NM_017534.6 (MANE Select); coding-DNA position 1297, G replaced by C.
Protein change: p.Ala433Pro; replaces alanine 433 with proline.
Molecular consequence: missense variant.
Genome position (GRCh38, 1-based): chr17:10,539,324, C>G on the plus strand (G>C on the coding strand, the complement: MYH2 is on the minus strand). VCF-style: chr17-10539324-C-G. GRCh37 (hg19) VCF-style: chr17-10442641-C-G.
Other names: c.1297G>C, p.Ala433Pro (NM_001100112.2); short protein forms A433P.
Identifiers: ClinVar variation 2187121 (VCV002187121.4), dbSNP rs2508456958, ClinGen allele CA398159559.